The following is an entry in ClinVar:

NM_032043.3(BRIP1):c.761A>G (p.Lys254Arg)

Gene: BRIP1 (BRCA1 interacting DNA helicase 1; minus strand). Cytogenetic location: 17q23.2.
Variant type: single nucleotide variant.
Coding change: c.761A>G on transcript NM_032043.3 (MANE Select); coding-DNA position 761, A replaced by G.
Protein change: p.Lys254Arg; replaces lysine 254 with arginine.
Molecular consequence: missense variant.
Genome position (GRCh38, 1-based): chr17:61,808,624, T>C on the plus strand (A>G on the coding strand, the complement: BRIP1 is on the minus strand). VCF-style: chr17-61808624-T-C. GRCh37 (hg19) VCF-style: chr17-59885985-T-C.
Other names: c.761A>G (NM_032043.2); short protein forms K254R.
Identifiers: ClinVar variation 1503854 (VCV001503854.8), dbSNP rs2145417925, ClinGen allele CA400484966.

ClinVar aggregate classification (germline): Uncertain significance. Review status: criteria provided, multiple submitters, no conflicts (2 of 4 stars). 2 submissions from 2 submitters: Uncertain significance (2). Last evaluated 2023-12-19.

Conditions:
Fanconi anemia complementation group J. Also called: BRIP1-Related Fanconi Anemia. Identifiers: Orphanet 84, MedGen C1836860, MONDO:0012187, OMIM 609054.
Familial cancer of breast. Also called: hereditary breast carcinoma; Hereditary breast cancer; BREAST CANCER, FAMILIAL. Identifiers: Orphanet 227535, MedGen C0346153, MONDO:0016419, OMIM 114480. Disease mechanism: loss of function.
Hereditary cancer-predisposing syndrome. Also called: Tumor predisposition; Hereditary neoplastic syndrome; Neoplastic Syndromes, Hereditary; Hereditary Cancer Syndrome. Identifiers: Orphanet 140162, MedGen C0027672, MeSH D009386, MONDO:0015356.

Submissions (2):

Ambry Genetics
Classification: Uncertain significance for Hereditary cancer-predisposing syndrome. Last evaluated: 2023-12-19. Review status: criteria provided, single submitter. Criteria: Ambry Variant Classification Scheme 2023. Collection method: clinical testing. Allele origin: germline.
Comment: The p.K254R variant (also known as c.761A>G), located in coding exon 6 of the BRIP1 gene, results from an A to G substitution at nucleotide position 761. The lysine at codon 254 is replaced by arginine, an amino acid with highly similar properties. This amino acid position is conserved. In addition, the in silico prediction for this alteration is inconclusive. Since supporting evidence is limited at this time, the clinical significance of this alteration remains unclear.

Labcorp Genetics (formerly Invitae), Labcorp
Classification: Uncertain significance for Familial cancer of breast; Fanconi anemia complementation group J. Last evaluated: 2021-11-12. Review status: criteria provided, single submitter. Criteria: Invitae Variant Classification Sherloc (09022015). Collection method: clinical testing. Allele origin: germline.
Comment: This variant has not been reported in the literature in individuals affected with BRIP1-related conditions. This variant is not present in population databases (gnomAD no frequency). This sequence change replaces lysine, which is basic and polar, with arginine, which is basic and polar, at codon 254 of the BRIP1 protein (p.Lys254Arg). Advanced modeling of protein sequence and biophysical properties (such as structural, functional, and spatial information, amino acid conservation, physicochemical variation, residue mobility, and thermodynamic stability) performed at Invitae indicates that this missense variant is expected to disrupt BRIP1 protein function. In summary, the available evidence is currently insufficient to determine the role of this variant in disease. Therefore, it has been classified as a Variant of Uncertain Significance. Algorithms developed to predict the effect of sequence changes on RNA splicing suggest that this variant may create or strengthen a splice site.